The following is an entry in ClinVar:

NM_002972.4(SBF1):c.1316C>T (p.Thr439Met)

Gene: SBF1 (SET binding factor 1; minus strand). Cytogenetic location: 22q13.33.
Variant type: single nucleotide variant.
Coding change: c.1316C>T on transcript NM_002972.4 (MANE Select); coding-DNA position 1316, C replaced by T.
Protein change: p.Thr439Met; replaces threonine 439 with methionine.
Molecular consequence: missense variant.
Genome position (GRCh38, 1-based): chr22:50,465,017, G>A on the plus strand (C>T on the coding strand, the complement: SBF1 is on the minus strand). VCF-style: chr22-50465017-G-A. GRCh37 (hg19) VCF-style: chr22-50903446-G-A.
Other names: c.1319C>T, p.Thr440Met (NM_001365819.1); c.1316C>T (NM_002972.2); short protein forms T439M, T440M.
Identifiers: ClinVar variation 1440772 (VCV001440772.4), dbSNP rs536887912, ClinGen allele CA10317743.

ClinVar aggregate classification (germline): Uncertain significance. Review status: criteria provided, multiple submitters, no conflicts (2 of 4 stars). 2 submissions from 2 submitters: Uncertain significance (2). Last evaluated 2024-03-12.

Allele frequency attached by ClinVar (database versions not stated): gnomAD exomes 0.00004 and 0.00010; ExAC 0.00008; gnomAD 0.00015 and 0.00017; TOPMed 0.00015; 1000 Genomes Project 0.00040; 1000 Genomes Project 30x 0.00062.
gnomAD v4.1: 81 of 1,613,986 alleles (0.005%); highest among the groups gnomAD compares: African/African-American, 0.064%; no homozygotes.

Submissions (2):

Ambry Genetics
Classification: Uncertain significance. Last evaluated: 2024-03-12. Review status: criteria provided, single submitter. Criteria: Ambry Variant Classification Scheme 2023. Collection method: clinical testing. Allele origin: germline.

Labcorp Genetics (formerly Invitae), Labcorp
Classification: Uncertain significance. Last evaluated: 2022-07-18. Review status: criteria provided, single submitter. Criteria: Invitae Variant Classification Sherloc (09022015). Collection method: clinical testing. Allele origin: germline.
Comment: This sequence change replaces threonine, which is neutral and polar, with methionine, which is neutral and non-polar, at codon 439 of the SBF1 protein (p.Thr439Met). This variant is present in population databases (rs536887912, gnomAD 0.05%). This variant has not been reported in the literature in individuals affected with SBF1-related conditions. ClinVar contains an entry for this variant (Variation ID: 1440772). Algorithms developed to predict the effect of missense changes on protein structure and function are either unavailable or do not agree on the potential impact of this missense change (SIFT: "Tolerated"; PolyPhen-2: "Possibly Damaging"; Align-GVGD: "Class C0"). In summary, the available evidence is currently insufficient to determine the role of this variant in disease. Therefore, it has been classified as a Variant of Uncertain Significance.